The following is an entry in ClinVar:

ClinVar aggregate classification (germline): Pathogenic (1 of 4 stars; one submission).

Conditions:
Ataxia-telangiectasia syndrome (AT). Also called: Ataxia-telangiectasia, complementation group E; ATAXIA-TELANGIECTASIA, COMPLEMENTATION GROUP A; ATAXIA-TELANGIECTASIA, FRESNO VARIANT; Ataxia-telangiectasia; LOUIS-BAR SYNDROME; Ataxia-telangiectasia, complementation group D. Identifiers: Orphanet 100, MedGen C0004135, MONDO:0008840, OMIM 208900.

Submission:

Labcorp Genetics (formerly Invitae), Labcorp
Classification: Pathogenic for Ataxia-telangiectasia syndrome. Last evaluated: 2025-01-15. Review status: criteria provided, single submitter. Criteria: Invitae Variant Classification Sherloc (09022015). Collection method: clinical testing. Allele origin: germline.
Comment: This sequence change affects a donor splice site in intron 8 of the ATM gene. RNA analysis indicates that disruption of this splice site induces altered splicing and may result in an absent or altered protein product. This variant is not present in population databases (gnomAD no frequency). This variant has not been reported in the literature in individuals affected with ATM-related conditions. ClinVar contains an entry for this variant (Variation ID: 2811881). Studies have shown that disruption of this splice site results in activation of a cryptic splice site, and produces a non-functional protein and/or introduces a premature termination codon (internal data). For these reasons, this variant has been classified as Pathogenic.

NM_000051.4(ATM):c.1065+2T>C

Gene: ATM (ATM serine/threonine kinase; plus strand). Cytogenetic location: 11q22.3.
Variant type: single nucleotide variant.
Coding change: c.1065+2T>C on transcript NM_000051.4 (MANE Select); the canonical splice donor site of the intron after coding-DNA position 1065, T replaced by C.
Molecular consequence: splice donor variant.
Genome position (GRCh38, 1-based): chr11:108,247,129, T>C. VCF-style: chr11-108247129-T-C. GRCh37 (hg19) VCF-style: chr11-108117856-T-C.
Other names: c.1065+2T>C (NM_001351834.2).
Identifiers: ClinVar variation 2811881 (VCV002811881.3), dbSNP rs2135269732, ClinGen allele CA382531870.